The following is an entry in ClinVar:

ClinVar aggregate classification (germline): Uncertain significance. Review status: criteria provided, multiple submitters, no conflicts (2 of 4 stars). 2 submissions from 2 submitters: Uncertain significance (2). Last evaluated 2025-02-20.

Conditions:
SH2B1-related disorder. Also called: SH2B1-related condition.

Allele frequency attached by ClinVar (database versions not stated): TOPMed 0.00001.

Submissions (2):

PreventionGenetics, part of Exact Sciences
Classification: Uncertain significance for SH2B1-related condition. Last evaluated: 2025-02-20. Review status: criteria provided, single submitter. Criteria: ACMG Guidelines, 2015. Collection method: clinical testing. Allele origin: germline.
Comment: The SH2B1 c.751G>C variant is predicted to result in the amino acid substitution p.Glu251Gln. To our knowledge, this variant has not been reported in the literature or in a large population database (gnomAD), indicating this variant is rare. At this time, the clinical significance of this variant is uncertain due to the absence of conclusive functional and genetic evidence.

GeneDx
Classification: Uncertain significance. Last evaluated: 2022-06-16. Review status: criteria provided, single submitter. Criteria: GeneDx Variant Classification Process June 2021. Collection method: clinical testing. Allele origin: germline. Affected: yes.
Comment: Not observed at significant frequency in large population cohorts (gnomAD); In silico analysis supports that this missense variant does not alter protein structure/function; Has not been previously published as pathogenic or benign to our knowledge

NM_001387430.1(SH2B1):c.751G>C (p.Glu251Gln)

Gene: SH2B1 (SH2B adaptor protein 1; plus strand). Cytogenetic location: 16p11.2.
Variant type: single nucleotide variant.
Coding change: c.751G>C on transcript NM_001387430.1 (MANE Select); coding-DNA position 751, G replaced by C.
Protein change: p.Glu251Gln; replaces glutamic acid 251 with glutamine.
Molecular consequence: missense variant. On other transcripts: intron variant (1).
Genome position (GRCh38, 1-based): chr16:28,866,845, G>C. VCF-style: chr16-28866845-G-C. GRCh37 (hg19) VCF-style: chr16-28878166-G-C.
Other names: c.751G>C, p.Glu251Gln (NM_001145795.2, NM_001145796.2, NM_001145797.2 and 4 more transcripts); c.-26-529G>C (NM_001308294.2); short protein forms E251Q.
Identifiers: ClinVar variation 1804358 (VCV001804358.2), dbSNP rs1224831748, ClinGen allele CA395424503.
Genomic context (GRCh38, chr16:28,866,845, plus strand): 5'-CTGAGACTCAGTCGGGGAGGGGGCGCCTTGAAGGATGGAGCAGGGATGGTGCAGAGGGAA[G>C]AGCTGCTGAGTTTCATGGGGGCTGAGGAGGCAGCCCCTGACCCAGCCGGAGTGGGCCGGG-3'
Protein context (NP_001374359.1, residues 241-261): KDGAGMVQRE[Glu251Gln]LLSFMGAEEA